The following is an entry in ClinVar:

NM_001135022.2(ELMOD3):c.214G>A (p.Val72Met)

Gene: ELMOD3 (ELMO domain containing 3; plus strand). Cytogenetic location: 2p11.2.
Variant type: single nucleotide variant.
Coding change: c.214G>A on transcript NM_001135022.2 (MANE Select); coding-DNA position 214, G replaced by A.
Protein change: p.Val72Met; replaces valine 72 with methionine.
Molecular consequence: missense variant. On other transcripts: non-coding transcript variant (3).
Genome position (GRCh38, 1-based): chr2:85,368,700, G>A. VCF-style: chr2-85368700-G-A. GRCh37 (hg19) VCF-style: chr2-85595823-G-A.
Other names: c.214G>A, p.Val72Met (NM_001135021.2, NM_001135023.2, NM_001329791.2 and 3 more transcripts); short protein forms V72M.
Identifiers: ClinVar variation 1385778 (VCV001385778.7), dbSNP rs1049052744, ClinGen allele CA51724428.

ClinVar aggregate classification (germline): Uncertain significance. Review status: criteria provided, multiple submitters, no conflicts (2 of 4 stars). 2 submissions from 2 submitters: Uncertain significance (2). Last evaluated 2025-06-09.

Allele frequency attached by ClinVar (database versions not stated): gnomAD exomes below 0.00001; TOPMed 0.00002.
gnomAD v4.1: 2 of 1,614,120 alleles (0.00012%); highest among the groups gnomAD compares: Admixed American, 0.0017%; no homozygotes.

Submissions (2):

Ambry Genetics
Classification: Uncertain significance. Last evaluated: 2025-06-09. Review status: criteria provided, single submitter. Criteria: Ambry Variant Classification Scheme 2023. Collection method: clinical testing. Allele origin: germline.

Labcorp Genetics (formerly Invitae), Labcorp
Classification: Uncertain significance. Last evaluated: 2022-09-12. Review status: criteria provided, single submitter. Criteria: Invitae Variant Classification Sherloc (09022015). Collection method: clinical testing. Allele origin: germline.
Comment: In summary, the available evidence is currently insufficient to determine the role of this variant in disease. Therefore, it has been classified as a Variant of Uncertain Significance. Advanced modeling of protein sequence and biophysical properties (such as structural, functional, and spatial information, amino acid conservation, physicochemical variation, residue mobility, and thermodynamic stability) performed at Invitae indicates that this missense variant is not expected to disrupt ELMOD3 protein function. ClinVar contains an entry for this variant (Variation ID: 1385778). This variant has not been reported in the literature in individuals affected with ELMOD3-related conditions. This variant is present in population databases (no rsID available, gnomAD 0.003%). This sequence change replaces valine, which is neutral and non-polar, with methionine, which is neutral and non-polar, at codon 72 of the ELMOD3 protein (p.Val72Met).